The following is an entry in ClinVar:

ClinVar aggregate classification (germline): Uncertain significance. Review status: criteria provided, multiple submitters, no conflicts (2 of 4 stars). 4 submissions from 4 submitters: Uncertain significance (4). Last evaluated 2025-07-16.

Conditions:
Myopathy, myosin storage, autosomal recessive (CMYO7B). Also called: CONGENITAL MYOPATHY 7B, MYOSIN STORAGE, AUTOSOMAL RECESSIVE. Identifiers: Orphanet 636970, MedGen C1850709, MONDO:0009708, OMIM 255160.
Hypertrophic cardiomyopathy 1 (CMH1). Also called: Familial hypertrophic cardiomyopathy 1; MYH7-Related Familial Hypertrophic Cardiomyopathy. Identifiers: MedGen C3495498, MONDO:0008647, OMIM 192600.
Dilated cardiomyopathy 1S (CMD1S). Identifiers: Orphanet 154, Orphanet 54260, MedGen C1834481, MONDO:0013262, OMIM 613426.
MYH7-related skeletal myopathy. Also called: Laing distal myopathy; Myopathy, distal, 1; MYOPATHY, DISTAL, EARLY-ONSET, AUTOSOMAL DOMINANT; MYOPATHY, LATE DISTAL HEREDITARY; Laing early-onset distal myopathy. Identifiers: Orphanet 59135, MedGen C4552004, MONDO:0008050, OMIM 160500.
Myosin storage myopathy (CMYO7A). Also called: MYH7-related late-onset scapuloperoneal muscular dystrophy; Congenital myopathy 7A, myosin storage, autosomal dominant; MYOPATHY WITH LYSIS OF TYPE I MYOFIBRILS; MYOPATHY, HYALINE BODY, AUTOSOMAL DOMINANT; Scapuloperoneal myopathy, MYH7-related; SCAPULOPERONEAL MUSCULAR DYSTROPHY. Identifiers: Orphanet 437572, Orphanet 636965, MedGen C1842160, MONDO:0008409, OMIM 608358.
Hypertrophic cardiomyopathy. Also called: HYPERTROPHIC MYOCARDIOPATHY. Identifiers: Orphanet 217569, MedGen C0007194, MeSH D002312, MONDO:0005045, HP:0001639.
Cardiomyopathy (CMYO). Also called: Cardiomyopathies. Identifiers: Orphanet 167848, MedGen C0878544, MONDO:0004994, HP:0001638. Inheritance: Various modes of inheritance.

Allele frequency attached by ClinVar (database versions not stated): gnomAD exomes 0.00001 and 0.00002; ExAC 0.00002; ESP Exome Variant Server 0.00008.
gnomAD v4.1: 14 of 1,613,474 alleles (0.00087%); highest among the groups gnomAD compares: Admixed American, 0.0017%; no homozygotes.

Submissions (4):

GeneDx
Classification: Uncertain significance. Last evaluated: 2025-07-16. Review status: criteria provided, single submitter. Criteria: GeneDx Variant Classification Process June 2021. Collection method: clinical testing. Allele origin: germline. Affected: yes.
Comment: Not observed at significant frequency in large population cohorts (gnomAD); In silico analysis supports that this missense variant has a deleterious effect on protein structure/function; Previously reported as a variant of uncertain significance in a survivor of unexplained cardiac arrest (PMID: 35352813); Previously reported as a variant of uncertain significance in an individual with hypertrophic cardiomyopathy; an additional variant in another cardiac gene was also identified (PMID: 39554508); This variant is associated with the following publications: (PMID: 23403236, 35352813, 39554508)

Labcorp Genetics (formerly Invitae), Labcorp
Classification: Uncertain significance for Hypertrophic cardiomyopathy. Last evaluated: 2025-03-05. Review status: criteria provided, single submitter. Criteria: Invitae Variant Classification Sherloc (09022015). Collection method: clinical testing. Allele origin: germline.
Comment: This sequence change replaces glutamic acid, which is acidic and polar, with lysine, which is basic and polar, at codon 1829 of the MYH7 protein (p.Glu1829Lys). This variant is present in population databases (rs143562243, gnomAD 0.006%). This missense change has been observed in individual(s) with unexplained cardiac arrest (PMID: 35352813). ClinVar contains an entry for this variant (Variation ID: 1489908). Invitae Evidence Modeling of protein sequence and biophysical properties (such as structural, functional, and spatial information, amino acid conservation, physicochemical variation, residue mobility, and thermodynamic stability) indicates that this missense variant is expected to disrupt MYH7 protein function with a positive predictive value of 95%. In summary, the available evidence is currently insufficient to determine the role of this variant in disease. Therefore, it has been classified as a Variant of Uncertain Significance.

Color Diagnostics, LLC DBA Color Health
Classification: Uncertain significance for Cardiomyopathy. Last evaluated: 2024-12-23. Review status: criteria provided, single submitter. Criteria: ACMG Guidelines, 2015. Collection method: clinical testing. Allele origin: germline.
Comment: This missense variant replaces glutamic acid with lysine at codon 1829 of the MYH7 protein. Computational prediction suggests that this variant may have a deleterious impact on protein structure and function. To our knowledge, functional studies have not been reported for this variant. This variant has not been reported in individuals affected with MYH7-related disorders in the literature. This variant has been identified in 4/251012 chromosomes in the general population by the Genome Aggregation Database (gnomAD). The available evidence is insufficient to determine the role of this variant in disease conclusively. Therefore, this variant is classified as a Variant of Uncertain Significance.

Department of Pathology and Laboratory Medicine, Sinai Health System
Classification: Uncertain significance for MYH7-related skeletal myopathy; Hypertrophic cardiomyopathy 1; Myopathy, myosin storage, autosomal recessive; Myosin storage myopathy; Dilated cardiomyopathy 1S. Last evaluated: 2023-01-15. Review status: criteria provided, single submitter. Criteria: ACMG Guidelines, 2015. Collection method: research. Allele origin: germline.

Literature cited by the submitters: PubMed 35352813 (cited by Labcorp Genetics (formerly Invitae), Labcorp).

NM_000257.4(MYH7):c.5485G>A (p.Glu1829Lys)

Gene: MYH7 (myosin heavy chain 7; minus strand). Cytogenetic location: 14q11.2.
Variant type: single nucleotide variant.
Coding change: c.5485G>A on transcript NM_000257.4 (MANE Select); coding-DNA position 5485, G replaced by A.
Protein change: p.Glu1829Lys; replaces glutamic acid 1829 with lysine.
Molecular consequence: missense variant.
Genome position (GRCh38, 1-based): chr14:23,415,069, C>T on the plus strand (G>A on the coding strand, the complement: MYH7 is on the minus strand). VCF-style: chr14-23415069-C-T. GRCh37 (hg19) VCF-style: chr14-23884278-C-T.
Other names: c.5485G>A (NM_000257.2); short protein forms E1829K.
Identifiers: ClinVar variation 1489908 (VCV001489908.10), dbSNP rs143562243, ClinGen allele CA046922.
Genomic context (GRCh38, chr14:23,415,069, plus strand): 5'-CCTTGATGCGCCGCTCGCTCTTCCTCATGCCCTTCACCGACTCTGCGTTGCGCTTCTGCT[C>T]GGCCTCCAGCTCATTCTCCAGCTCCCGCACCCGCGCTTCCAGCTTCTGCAGCTGCTTCTT-3'
Protein context (NP_000248.2, residues 1819-1839): VRELENELEA[Glu1829Lys]QKRNAESVKG